The following is an entry in ClinVar:

ClinVar aggregate classification (germline): Uncertain significance. Review status: criteria provided, multiple submitters, no conflicts (2 of 4 stars). 2 submissions from 2 submitters: Uncertain significance (2). Last evaluated 2025-11-13.

Conditions:
Inborn genetic diseases. Identifiers: MedGen C0950123, MeSH D030342.

Allele frequency attached by ClinVar (database versions not stated): TOPMed 0.00001.

Submissions (2):

Ambry Genetics
Classification: Uncertain significance for Inborn genetic diseases. Last evaluated: 2025-11-13. Review status: criteria provided, single submitter. Criteria: Ambry Variant Classification Scheme 2023. Collection method: clinical testing. Allele origin: germline.

Labcorp Genetics (formerly Invitae), Labcorp
Classification: Uncertain significance. Last evaluated: 2025-11-03. Review status: criteria provided, single submitter. Criteria: Invitae Variant Classification Sherloc (09022015). Collection method: clinical testing. Allele origin: germline.
Comment: This sequence change replaces aspartic acid, which is acidic and polar, with asparagine, which is neutral and polar, at codon 172 of the WNT1 protein (p.Asp172Asn). This variant is not present in population databases (gnomAD no frequency). This missense change has been observed in individual(s) with clinical features of osteogenesis imperfecta (internal data). ClinVar contains an entry for this variant (Variation ID: 1497539). Invitae Evidence Modeling of protein sequence and biophysical properties (such as structural, functional, and spatial information, amino acid conservation, physicochemical variation, residue mobility, and thermodynamic stability) indicates that this missense variant is expected to disrupt WNT1 protein function with a positive predictive value of 80%. In summary, the available evidence is currently insufficient to determine the role of this variant in disease. Therefore, it has been classified as a Variant of Uncertain Significance.

NM_005430.4(WNT1):c.514G>A (p.Asp172Asn)

Gene: WNT1 (Wnt family member 1; plus strand). Cytogenetic location: 12q13.12.
Variant type: single nucleotide variant.
Coding change: c.514G>A on transcript NM_005430.4 (MANE Select); coding-DNA position 514, G replaced by A.
Protein change: p.Asp172Asn; replaces aspartic acid 172 with asparagine.
Molecular consequence: missense variant.
Genome position (GRCh38, 1-based): chr12:48,980,579, G>A. VCF-style: chr12-48980579-G-A. GRCh37 (hg19) VCF-style: chr12-49374362-G-A.
Other names: c.514G>A (NM_005430.3); short protein forms D172N.
Identifiers: ClinVar variation 1497539 (VCV001497539.9), dbSNP rs1177507864, ClinGen allele CA384631895.